The following is an entry in ClinVar:

ClinVar aggregate classification (germline): Uncertain significance. Review status: criteria provided, multiple submitters, no conflicts (2 of 4 stars). 2 submissions from 2 submitters: Uncertain significance (2). Last evaluated 2025-04-27.

Conditions:
ABCB4-related disorder. Also called: ABCB4-related disorders; ABCB4-related condition.

Submissions (2):

PreventionGenetics, part of Exact Sciences
Classification: Uncertain significance for ABCB4-related condition. Last evaluated: 2025-04-27. Review status: criteria provided, single submitter. Criteria: ACMG Guidelines, 2015. Collection method: clinical testing. Allele origin: germline.
Comment: The ABCB4 c.1043G>C variant is predicted to result in the amino acid substitution p.Gly348Ala. To our knowledge, this variant has not been reported in the literature or in a large population database (gnomAD), indicating this variant is rare. At this time, the clinical significance of this variant is uncertain due to the absence of conclusive functional and genetic evidence.

Eurofins Ntd Llc (ga)
Classification: Uncertain significance. Last evaluated: 2018-01-12. Review status: criteria provided, single submitter. Criteria: EGL Classification Definitions 2015. Collection method: clinical testing. Allele origin: germline. Observed: 2 variant alleles, 2 heterozygotes.

NM_000443.4(ABCB4):c.1043G>C (p.Gly348Ala)

Gene: ABCB4 (ATP binding cassette subfamily B member 4; minus strand). Cytogenetic location: 7q21.12.
Variant type: single nucleotide variant.
Coding change: c.1043G>C on transcript NM_000443.4 (MANE Select); coding-DNA position 1043, G replaced by C.
Protein change: p.Gly348Ala; replaces glycine 348 with alanine.
Molecular consequence: missense variant.
Genome position (GRCh38, 1-based): chr7:87,444,938, C>G on the plus strand (G>C on the coding strand, the complement: ABCB4 is on the minus strand). VCF-style: chr7-87444938-C-G. GRCh37 (hg19) VCF-style: chr7-87074254-C-G.
Other names: c.1043G>C, p.Gly348Ala (NM_018849.3, NM_018850.3); c.1043G>C (NM_000443.3); short protein forms G348A.
Identifiers: ClinVar variation 595760 (VCV000595760.6), dbSNP rs1562981176, ClinGen allele CA368048099.